The following is an entry in ClinVar:

NM_000455.5(STK11):c.1117C>T (p.Pro373Ser)

Gene: STK11 (serine/threonine kinase 11; plus strand). Cytogenetic location: 19p13.3.
Variant type: single nucleotide variant.
Coding change: c.1117C>T on transcript NM_000455.5 (MANE Select); coding-DNA position 1117, C replaced by T.
Protein change: p.Pro373Ser; replaces proline 373 with serine.
Molecular consequence: missense variant.
Genome position (GRCh38, 1-based): chr19:1,226,462, C>T. VCF-style: chr19-1226462-C-T. GRCh37 (hg19) VCF-style: chr19-1226461-C-T.
Other names: short protein forms P373S.
Identifiers: ClinVar variation 492515 (VCV000492515.13), dbSNP rs1287849806, ClinGen allele CA402953142.

ClinVar aggregate classification (germline): Conflicting classifications of pathogenicity. Review status: criteria provided, conflicting classifications (1 of 4 stars). 4 submissions from 4 submitters: Uncertain significance (3); Likely benign (1). Last evaluated 2025-11-05.

Conditions:
Peutz-Jeghers syndrome (PJS). Also called: POLYPOSIS, HAMARTOMATOUS INTESTINAL; POLYPS-AND-SPOTS SYNDROME; Peutz-Jeghers polyposis; Periorificial lentiginosis syndrome. Identifiers: Orphanet 2869, MedGen C0031269, MeSH D010580, MONDO:0008280, OMIM 175200.
Hereditary cancer-predisposing syndrome. Also called: Tumor predisposition; Neoplastic Syndromes, Hereditary; Hereditary Cancer Syndrome; Hereditary neoplastic syndrome. Identifiers: Orphanet 140162, MedGen C0027672, MeSH D009386, MONDO:0015356.

Allele frequency attached by ClinVar (database versions not stated): gnomAD 0.00001.

Submissions (4):

Labcorp Genetics (formerly Invitae), Labcorp
Classification: Uncertain significance for Peutz-Jeghers syndrome. Last evaluated: 2025-11-05. Review status: criteria provided, single submitter. Criteria: Invitae Variant Classification Sherloc (09022015). Collection method: clinical testing. Allele origin: germline.
Comment: This sequence change replaces proline, which is neutral and non-polar, with serine, which is neutral and polar, at codon 373 of the STK11 protein (p.Pro373Ser). This variant is present in population databases (no rsID available, gnomAD 0.007%). This variant has not been reported in the literature in individuals affected with STK11-related conditions. ClinVar contains an entry for this variant (Variation ID: 492515). Invitae Evidence Modeling of protein sequence and biophysical properties (such as structural, functional, and spatial information, amino acid conservation, physicochemical variation, residue mobility, and thermodynamic stability) indicates that this missense variant is not expected to disrupt STK11 protein function with a negative predictive value of 95%. In summary, the available evidence is currently insufficient to determine the role of this variant in disease. Therefore, it has been classified as a Variant of Uncertain Significance.

All of Us Research Program, National Institutes of Health
Classification: Uncertain significance for Peutz-Jeghers syndrome. Last evaluated: 2024-05-24. Review status: criteria provided, single submitter. Criteria: ACMG Guidelines, 2015. Collection method: clinical testing. Allele origin: germline. Inheritance: Autosomal dominant inheritance. Observed: 1 variant allele, 1 heterozygote.
Comment: This missense variant replaces proline with serine at codon 373 of the STK11 protein. Computational prediction suggests that this variant may not impact protein structure and function (internally defined REVEL score threshold <= 0.5, PMID: 27666373). Splice site prediction tools suggest that this variant may not impact RNA splicing. To our knowledge, functional studies have not been performed for this variant. This variant has not been reported in individuals affected with hereditary cancer in the literature. This variant has been identified in 1/30898 chromosomes in the general population by the Genome Aggregation Database (gnomAD). The available evidence is insufficient to determine the role of this variant in disease conclusively. Therefore, this variant is classified as a Variant of Uncertain Significance.

This study involves interpretation of variants in research participants for the purpose of population health screening. Participant phenotype was not available at the time of variant classification. Additional details can be found in publication PMID: 35346344, PMCID: PMC8962531

Ambry Genetics
Classification: Likely benign for Hereditary cancer-predisposing syndrome. Last evaluated: 2023-11-16. Review status: criteria provided, single submitter. Criteria: Ambry Variant Classification Scheme 2023. Collection method: clinical testing. Allele origin: germline.

Color Diagnostics, LLC DBA Color Health
Classification: Uncertain significance for Hereditary cancer-predisposing syndrome. Last evaluated: 2019-11-22. Review status: criteria provided, single submitter. Criteria: ACMG Guidelines, 2015. Collection method: clinical testing. Allele origin: germline.
Comment: This missense variant replaces proline with serine at codon 373 of the STK11 protein. Computational prediction suggests that this variant may not impact protein structure and function (internally defined REVEL score threshold <= 0.5, PMID: 27666373). Splice site prediction tools suggest that this variant may not impact RNA splicing. To our knowledge, functional studies have not been performed for this variant. This variant has not been reported in individuals affected with hereditary cancer in the literature. This variant has been identified in 1/30898 chromosomes in the general population by the Genome Aggregation Database (gnomAD). The available evidence is insufficient to determine the role of this variant in disease conclusively. Therefore, this variant is classified as a Variant of Uncertain Significance.